The following is an entry in ClinVar:

NM_000051.4(ATM):c.8662A>C (p.Ile2888Leu)

Genes: ATM (ATM serine/threonine kinase; plus strand), C11orf65 (chromosome 11 open reading frame 65; minus strand). Cytogenetic location: 11q22.3.
Variant type: single nucleotide variant.
Coding change: c.8662A>C on transcript NM_000051.4 (MANE Select); coding-DNA position 8662, A replaced by C.
Protein change: p.Ile2888Leu; replaces isoleucine 2888 with leucine.
Molecular consequence: missense variant. On other transcripts: intron variant (2).
Genome position (GRCh38, 1-based): chr11:108,347,356, A>C. VCF-style: chr11-108347356-A-C. GRCh37 (hg19) VCF-style: chr11-108218083-A-C.
Other names: c.8662A>C, p.Ile2888Leu (NM_001351834.2); c.641-38285T>G (NM_001330368.2); c.695-12064T>G (NM_001351110.2); short protein forms I2888L.
Identifiers: ClinVar variation 2829671 (VCV002829671.3), dbSNP rs2088562912, ClinGen allele CA382521213.

ClinVar aggregate classification (germline): Uncertain significance (1 of 4 stars; one submission).

Conditions:
Ataxia-telangiectasia syndrome (AT). Also called: LOUIS-BAR SYNDROME; Cerebello-oculocutaneous telangiectasia; Immunodeficiency with ataxia telangiectasia; Ataxia telangiectasia (A-T); Ataxia-telangiectasia, complementation group D; AT, COMPLEMENTATION GROUP C. Identifiers: Orphanet 100, MedGen C0004135, MONDO:0008840, OMIM 208900.

Submission:

Labcorp Genetics (formerly Invitae), Labcorp
Classification: Uncertain significance for Ataxia-telangiectasia syndrome. Last evaluated: 2023-01-17. Review status: criteria provided, single submitter. Criteria: Invitae Variant Classification Sherloc (09022015). Collection method: clinical testing. Allele origin: germline.
Comment: This sequence change replaces isoleucine, which is neutral and non-polar, with leucine, which is neutral and non-polar, at codon 2888 of the ATM protein (p.Ile2888Leu). In summary, the available evidence is currently insufficient to determine the role of this variant in disease. Therefore, it has been classified as a Variant of Uncertain Significance. Algorithms developed to predict the effect of missense changes on protein structure and function are either unavailable or do not agree on the potential impact of this missense change (SIFT: "Deleterious"; PolyPhen-2: "Probably Damaging"; Align-GVGD: "Class C0"). This variant has not been reported in the literature in individuals affected with ATM-related conditions. This variant is not present in population databases (gnomAD no frequency).